The following is an entry in ClinVar:

ClinVar aggregate classification (germline): Uncertain significance (1 of 4 stars; one submission).

Conditions:
Primary ciliary dyskinesia 33. Also called: CILIARY DYSKINESIA, PRIMARY, 33, WITHOUT SITUS INVERSUS. Identifiers: Orphanet 244, MedGen C4225230, MONDO:0014750, OMIM 616726.

Allele frequency attached by ClinVar (database versions not stated): gnomAD 0.00001; TOPMed 0.00001; ExAC 0.00003.
gnomAD v4.1: 62 of 1,613,940 alleles (0.0038%); highest among the groups gnomAD compares: East Asian, 0.0089%; no homozygotes.

Submission:

Labcorp Genetics (formerly Invitae), Labcorp
Classification: Uncertain significance for Primary ciliary dyskinesia 33. Last evaluated: 2022-07-01. Review status: criteria provided, single submitter. Criteria: Invitae Variant Classification Sherloc (09022015). Collection method: clinical testing. Allele origin: germline.
Comment: This sequence change replaces arginine, which is basic and polar, with cysteine, which is neutral and slightly polar, at codon 313 of the GAS8 protein (p.Arg313Cys). This variant is present in population databases (rs745725272, gnomAD 0.004%). This variant has not been reported in the literature in individuals affected with GAS8-related conditions. ClinVar contains an entry for this variant (Variation ID: 959143). Algorithms developed to predict the effect of missense changes on protein structure and function (SIFT, PolyPhen-2, Align-GVGD) all suggest that this variant is likely to be disruptive. In summary, the available evidence is currently insufficient to determine the role of this variant in disease. Therefore, it has been classified as a Variant of Uncertain Significance.

NM_001481.3(GAS8):c.937C>T (p.Arg313Cys)

Gene: GAS8 (growth arrest specific 8; plus strand). Cytogenetic location: 16q24.3.
Variant type: single nucleotide variant.
Coding change: c.937C>T on transcript NM_001481.3 (MANE Select); coding-DNA position 937, C replaced by T.
Protein change: p.Arg313Cys; replaces arginine 313 with cysteine.
Molecular consequence: missense variant.
Genome position (GRCh38, 1-based): chr16:90,037,774, C>T. VCF-style: chr16-90037774-C-T. GRCh37 (hg19) VCF-style: chr16-90104182-C-T.
Other names: c.688C>T, p.Arg230Cys (NM_001286205.2); c.361C>T, p.Arg121Cys (NM_001286208.2); c.862C>T, p.Arg288Cys (NM_001286209.2); short protein forms R288C, R121C, R230C, R313C.
Identifiers: ClinVar variation 959143 (VCV000959143.7), dbSNP rs745725272, ClinGen allele CA8258041.